The following is an entry in ClinVar:

ClinVar aggregate classification (germline): Likely benign (1 of 4 stars; one submission).

Allele frequency attached by ClinVar (database versions not stated): gnomAD exomes 0.00002; TOPMed 0.00002; gnomAD 0.00003.
gnomAD v4.1: 12 of 1,441,792 alleles (0.00083%); highest among the groups gnomAD compares: African/African-American, 0.0014%; no homozygotes.

Submission:

GeneDx
Classification: Likely benign. Last evaluated: 2018-05-03. Review status: criteria provided, single submitter. Criteria: GeneDx Variant Classification (06012015). Collection method: clinical testing. Allele origin: germline. Affected: yes.
Comment: This variant is considered likely benign or benign based on one or more of the following criteria: it is a conservative change, it occurs at a poorly conserved position in the protein, it is predicted to be benign by multiple in silico algorithms, and/or has population frequency not consistent with disease.

NM_001128228.3(TPRN):c.690C>G (p.Pro230=)

Gene: TPRN (taperin; minus strand). Cytogenetic location: 9q34.3.
Variant type: single nucleotide variant.
Coding change: c.690C>G on transcript NM_001128228.3 (MANE Select); coding-DNA position 690, C replaced by G.
Protein change: p.Pro230=; no amino-acid change (proline 230 retained).
Molecular consequence: synonymous variant.
Genome position (GRCh38, 1-based): chr9:137,200,022, G>C on the plus strand (C>G on the coding strand, the complement: TPRN is on the minus strand). VCF-style: chr9-137200022-G-C. GRCh37 (hg19) VCF-style: chr9-140094474-G-C.
Identifiers: ClinVar variation 682347 (VCV000682347.1), dbSNP rs1473487453, ClinGen allele CA467926085.
Genomic context (GRCh38, chr9:137,200,022, plus strand): 5'-TGGCTTCCACTGTCCCGACCCAGGCGGGGAGCCCGCGAGGCGGTTGGCAGGGCCGGCCCG[G>C]GGCTCAGGGGCCGAGTGCCCGTTGGAGAGCAGGCGGGCGCCCGCGCCGCGGTGCAGACCC-3'
Protein context (NP_001121700.2, residues 220-240): LLSNGHSAPE[Pro230=]RAGPANRLAG